The following is an entry in ClinVar:

ClinVar aggregate classification (germline): Likely benign. Review status: criteria provided, multiple submitters, no conflicts (2 of 4 stars). 2 submissions from 2 submitters: Likely benign (2). Last evaluated 2025-07-01.

Allele frequency attached by ClinVar (database versions not stated): ESP Exome Variant Server 0.00008; TOPMed 0.00010; gnomAD exomes 0.00011; ExAC 0.00015; gnomAD 0.00025.
gnomAD v4.1: 200 of 1,601,188 alleles (0.012%); highest among the groups gnomAD compares: African/African-American, 0.013%; 1 homozygote.

Submissions (2):

CeGaT Center for Human Genetics Tuebingen
Classification: Likely benign. Last evaluated: 2025-07-01. Review status: criteria provided, single submitter. Criteria: CeGaT Center For Human Genetics Tuebingen Variant Classification Criteria Version 2. Collection method: clinical testing. Allele origin: germline. Affected: yes. Observed: 1 variant allele.
Comment: DHX37: BP4, BS2

Labcorp Genetics (formerly Invitae), Labcorp
Classification: Likely benign. Last evaluated: 2024-02-14. Review status: criteria provided, single submitter. Criteria: Invitae Variant Classification Sherloc (09022015). Collection method: clinical testing. Allele origin: germline.

NM_032656.4(DHX37):c.3442G>A (p.Glu1148Lys)

Gene: DHX37 (DEAH-box helicase 37; minus strand). Cytogenetic location: 12q24.31.
Variant type: single nucleotide variant.
Coding change: c.3442G>A on transcript NM_032656.4 (MANE Select); coding-DNA position 3442, G replaced by A.
Protein change: p.Glu1148Lys; replaces glutamic acid 1148 with lysine.
Molecular consequence: missense variant.
Genome position (GRCh38, 1-based): chr12:124,947,834, C>T on the plus strand (G>A on the coding strand, the complement: DHX37 is on the minus strand). VCF-style: chr12-124947834-C-T. GRCh37 (hg19) VCF-style: chr12-125432380-C-T.
Other names: short protein forms E1148K.
Identifiers: ClinVar variation 2728144 (VCV002728144.11), dbSNP rs145827065, ClinGen allele CA6871187.
Genomic context (GRCh38, chr12:124,947,834, plus strand): 5'-GTCCTCGGCCCTGCAGCCAGGTTTCTGGTCAGTGGACAGTGGTGGGGGGCCAGGCTTTCT[C>T]GATATCGGGGTGCATGGCCTGTGGAAGCCACTCACAGTACTCAGCCAGCAGGTCTGCAGG-3'
Protein context (NP_116045.2, residues 1138-1157): WLPQAMHPDI[Glu1148Lys]KAWPPTTVH